The following is an entry in ClinVar:

ClinVar aggregate classification (germline): Uncertain significance (1 of 4 stars; one submission).

Conditions:
Familial isolated arrhythmogenic right ventricular dysplasia. Identifiers: Orphanet 217656, MedGen C4274968, MONDO:0016342.

Submission:

All of Us Research Program, National Institutes of Health
Classification: Uncertain significance for Familial isolated arrhythmogenic right ventricular dysplasia. Last evaluated: 2024-04-16. Review status: criteria provided, single submitter. Criteria: ACMG Guidelines, 2015. Collection method: clinical testing. Allele origin: germline. Inheritance: Autosomal dominant inheritance. Observed: 1 variant allele, 1 heterozygote.
Comment: This missense variant replaces arginine with threonine at codon 507 of the DSC2 protein. Computational prediction suggests that this variant may not impact protein structure and function (internally defined REVEL score threshold <= 0.5, PMID: 27666373). To our knowledge, functional studies have not been reported for this variant. This variant has not been reported in individuals affected with DSC2-related disorders in the literature. This variant has not been identified in the general population by the Genome Aggregation Database (gnomAD). The available evidence is insufficient to determine the role of this variant in disease conclusively. Therefore, this variant is classified as a Variant of Uncertain Significance.

This study involves interpretation of variants in research participants for the purpose of population health screening. Participant phenotype was not available at the time of variant classification. Additional details can be found in publication PMID: 35346344, PMCID: PMC8962531

NM_024422.6(DSC2):c.1520G>C (p.Arg507Thr)

Gene: DSC2 (desmocollin 2; minus strand). Cytogenetic location: 18q12.1.
Variant type: single nucleotide variant.
Coding change: c.1520G>C on transcript NM_024422.6 (MANE Select); coding-DNA position 1520, G replaced by C.
Protein change: p.Arg507Thr; replaces arginine 507 with threonine.
Molecular consequence: missense variant.
Genome position (GRCh38, 1-based): chr18:31,080,096, C>G on the plus strand (G>C on the coding strand, the complement: DSC2 is on the minus strand). VCF-style: chr18-31080096-C-G. GRCh37 (hg19) VCF-style: chr18-28660062-C-G.
Other names: c.1091G>C, p.Arg364Thr (NM_001406506.1, NM_001406507.1); c.1520G>C, p.Arg507Thr (NM_004949.5); short protein forms R364T, R507T.
Identifiers: ClinVar variation 3386523 (VCV003386523.1).
Genomic context (GRCh38, chr18:31,080,096, plus strand): 5'-ATTATAATAACGTAACAAAATAAGCTATATATTTTAAAACTAAAATAGAATGGTAAGTAC[C>G]TTATGCCACTGCTACTTCTTGTTTCTGGGTCATATGCTTTATATCCATTGCTTGTTGTTC-3'
Protein context (NP_077740.1, residues 497-517): DPETRSSSGI[Arg507Thr]YKKLTDPTGW